The following is an entry in ClinVar:

NM_000257.4(MYH7):c.2342T>C (p.Leu781Pro)

Genes: MYH7 (myosin heavy chain 7; minus strand), LOC126861898 (BRD4-independent group 4 enhancer GRCh37_chr14:23893609-23894808; plus strand). Cytogenetic location: 14q11.2.
Variant type: single nucleotide variant.
Coding change: c.2342T>C on transcript NM_000257.4 (MANE Select); coding-DNA position 2342, T replaced by C.
Protein change: p.Leu781Pro; replaces leucine 781 with proline.
Molecular consequence: missense variant.
Genome position (GRCh38, 1-based): chr14:23,425,363, A>G on the plus strand (T>C on the coding strand, the complement: MYH7 is on the minus strand). VCF-style: chr14-23425363-A-G. GRCh37 (hg19) VCF-style: chr14-23894572-A-G.
Other names: short protein forms L781P.
Identifiers: ClinVar variation 164336 (VCV000164336.7), dbSNP rs727503259, ClinGen allele CA012152.

ClinVar aggregate classification (germline): Uncertain significance. Review status: criteria provided, single submitter (1 of 4 stars). 2 submissions from 2 submitters: Uncertain significance (1). 1 of the submissions does not count toward it. Last evaluated 2023-05-17.

Conditions:
Hypertrophic cardiomyopathy. Also called: HYPERTROPHIC MYOCARDIOPATHY. Identifiers: Orphanet 217569, MedGen C0007194, MeSH D002312, MONDO:0005045, HP:0001639.

Submissions (2):

Labcorp Genetics (formerly Invitae), Labcorp
Classification: Uncertain significance for Hypertrophic cardiomyopathy. Last evaluated: 2023-05-17. Review status: criteria provided, single submitter. Criteria: Invitae Variant Classification Sherloc (09022015). Collection method: clinical testing. Allele origin: germline.
Comment: This missense change has been observed in individual(s) with hypertrophic cardiomyopathy (PMID: 25611685, 27532257). This variant is not present in population databases (gnomAD no frequency). This sequence change replaces leucine, which is neutral and non-polar, with proline, which is neutral and non-polar, at codon 781 of the MYH7 protein (p.Leu781Pro). In summary, the available evidence is currently insufficient to determine the role of this variant in disease. Therefore, it has been classified as a Variant of Uncertain Significance. Advanced modeling of protein sequence and biophysical properties (such as structural, functional, and spatial information, amino acid conservation, physicochemical variation, residue mobility, and thermodynamic stability) performed at Invitae indicates that this missense variant is expected to disrupt MYH7 protein function. ClinVar contains an entry for this variant (Variation ID: 164336).

Laboratory for Molecular Medicine, Mass General Brigham Personalized Medicine
Classification: Uncertain significance. Last evaluated: 2014-03-07. Review status: no assertion criteria provided. Collection method: clinical testing. Allele origin: germline. Observed: 2 variant alleles. Not counted in ClinVar's aggregate classification.
Comment: proposed classification - variant undergoing re-assessment, contact laboratory

Literature cited by the submitters: PubMed 25611685 (cited by Labcorp Genetics (formerly Invitae), Labcorp); PubMed 27532257 (cited by Labcorp Genetics (formerly Invitae), Labcorp).